The following is an entry in ClinVar:

NM_001204.7(BMPR2):c.1302G>A (p.Met434Ile)

Gene: BMPR2 (bone morphogenetic protein receptor type 2; plus strand). Cytogenetic location: 2q33.2.
Variant type: single nucleotide variant.
Coding change: c.1302G>A on transcript NM_001204.7 (MANE Select); coding-DNA position 1302, G replaced by A.
Protein change: p.Met434Ile; replaces methionine 434 with isoleucine.
Molecular consequence: missense variant.
Genome position (GRCh38, 1-based): chr2:202,542,336, G>A. VCF-style: chr2-202542336-G-A. GRCh37 (hg19) VCF-style: chr2-203407059-G-A.
Other names: c.1302G>A (LRG_712t1); short protein forms M434I.
Identifiers: ClinVar variation 333643 (VCV000333643.6), dbSNP rs759257550, ClinGen allele CA2061348.

ClinVar aggregate classification (germline): Conflicting classifications of pathogenicity. Review status: criteria provided, conflicting classifications (1 of 4 stars). 2 submissions from 2 submitters: Uncertain significance (1); Likely benign (1). Last evaluated 2024-08-07.

Conditions:
Inborn genetic diseases. Identifiers: MedGen C0950123, MeSH D030342.
Pulmonary hypertension, primary, 1 (PPH1). Also called: Pulmonary hypertension, familial primary, 1, with or without HHT. Identifiers: Orphanet 422, MedGen C4552070, MONDO:0024533, OMIM 178600.

Allele frequency attached by ClinVar (database versions not stated): gnomAD exomes 0.00002; ExAC 0.00002; TOPMed 0.00001.
gnomAD v4.1: 59 of 1,613,950 alleles (0.0037%); highest among the groups gnomAD compares: South Asian, 0.0066%; 1 homozygote.

Submissions (2):

Ambry Genetics
Classification: Uncertain significance for Inborn genetic diseases. Last evaluated: 2024-08-07. Review status: criteria provided, single submitter. Criteria: Ambry Variant Classification Scheme 2023. Collection method: clinical testing. Allele origin: germline.
Comment: The p.M434I variant (also known as c.1302G>A), located in coding exon 10 of the BMPR2 gene, results from a G to A substitution at nucleotide position 1302. The methionine at codon 434 is replaced by isoleucine, an amino acid with highly similar properties. This amino acid position is conserved. In addition, the in silico prediction for this alteration is inconclusive. Based on the available evidence, the clinical significance of this variant remains unclear.

Illumina Laboratory Services, Illumina
Classification: Likely benign for Pulmonary hypertension, primary, 1. Last evaluated: 2018-01-13. Review status: criteria provided, single submitter. Criteria: ICSL Variant Classification Criteria 13 December 2019. Collection method: clinical testing. Allele origin: germline.
Comment: This variant was observed in the ICSL laboratory as part of a predisposition screen in an ostensibly healthy population. It had not been previously curated by ICSL or reported in the Human Gene Mutation Database (HGMD: prior to June 1st, 2018), and was therefore a candidate for classification through an automated scoring system. Utilizing variant allele frequency, disease prevalence and penetrance estimates, and inheritance mode, an automated score was calculated to assess if this variant is too frequent to cause the disease. Based on the score and internal cut-off values, a variant classified as likely benign is not then subjected to further curation. The score for this variant resulted in a classification of likely benign for this disease.